The following is an entry in ClinVar:

NM_024675.4(PALB2):c.942A>G (p.Gln314=)

Gene: PALB2 (partner and localizer of BRCA2; minus strand). Cytogenetic location: 16p12.2.
Variant type: single nucleotide variant.
Coding change: c.942A>G on transcript NM_024675.4 (MANE Select); coding-DNA position 942, A replaced by G.
Protein change: p.Gln314=; no amino-acid change (glutamine 314 retained).
Molecular consequence: synonymous variant.
Genome position (GRCh38, 1-based): chr16:23,635,604, T>C on the plus strand (A>G on the coding strand, the complement: PALB2 is on the minus strand). VCF-style: chr16-23635604-T-C. GRCh37 (hg19) VCF-style: chr16-23646925-T-C.
Identifiers: ClinVar variation 928081 (VCV000928081.10), dbSNP rs1156931572, ClinGen allele CA494461895.

ClinVar aggregate classification (germline): Benign/Likely benign. Review status: criteria provided, multiple submitters, no conflicts (2 of 4 stars). 4 submissions from 4 submitters: Benign (1); Likely benign (3). Last evaluated 2025-01-13.

Conditions:
Hereditary cancer-predisposing syndrome. Also called: Neoplastic Syndromes, Hereditary; Hereditary Cancer Syndrome; Tumor predisposition; Hereditary neoplastic syndrome. Identifiers: Orphanet 140162, MedGen C0027672, MeSH D009386, MONDO:0015356.
Familial cancer of breast. Also called: Hereditary breast cancer; BREAST CANCER, FAMILIAL; hereditary breast carcinoma. Identifiers: Orphanet 227535, MedGen C0346153, MONDO:0016419, OMIM 114480. Disease mechanism: loss of function.

Allele frequency attached by ClinVar (database versions not stated): gnomAD exomes below 0.00001; TOPMed 0.00001; gnomAD 0.00002.
gnomAD v4.1: 8 of 1,613,666 alleles (0.0005%); highest among the groups gnomAD compares: Non-Finnish European, 0.000085%; no homozygotes.

Submissions (4):

Myriad Genetics, Inc.
Classification: Benign for Familial cancer of breast. Last evaluated: 2025-01-13. Review status: criteria provided, single submitter. Criteria: Myriad Autosomal Dominant, Autosomal Recessive and X-Linked Classification Criteria (2023). Collection method: clinical testing. Allele origin: unknown.
Comment: This variant is considered benign. This variant is a silent/synonymous amino acid change and it is not expected to impact splicing.

Labcorp Genetics (formerly Invitae), Labcorp
Classification: Likely benign for Familial cancer of breast. Last evaluated: 2024-10-28. Review status: criteria provided, single submitter. Criteria: Invitae Variant Classification Sherloc (09022015). Collection method: clinical testing. Allele origin: germline.

Ambry Genetics
Classification: Likely benign for Hereditary cancer-predisposing syndrome. Last evaluated: 2021-06-25. Review status: criteria provided, single submitter. Criteria: Ambry Variant Classification Scheme 2023. Collection method: clinical testing. Allele origin: germline.

Color Diagnostics, LLC DBA Color Health
Classification: Likely benign for Hereditary cancer-predisposing syndrome. Last evaluated: 2019-10-10. Review status: criteria provided, single submitter. Criteria: ACMG Guidelines, 2015. Collection method: clinical testing. Allele origin: germline.